The following is an entry in ClinVar:

NM_002878.4(RAD51D):c.874A>G (p.Met292Val)

Genes: RAD51L3-RFFL (RAD51L3-RFFL readthrough; minus strand), RAD51D (RAD51 paralog D; minus strand). Cytogenetic location: 17q12.
Variant type: single nucleotide variant.
Coding change: c.874A>G on transcript NM_002878.4 (MANE Select); coding-DNA position 874, A replaced by G.
Protein change: p.Met292Val; replaces methionine 292 with valine.
Molecular consequence: missense variant. On other transcripts: non-coding transcript variant (3).
Genome position (GRCh38, 1-based): chr17:35,101,230, T>C on the plus strand (A>G on the coding strand, the complement: RAD51D is on the minus strand). VCF-style: chr17-35101230-T-C. GRCh37 (hg19) VCF-style: chr17-33428249-T-C.
Other names: c.934A>G, p.Met312Val (NM_001142571.2); c.538A>G, p.Met180Val (NM_133629.3); short protein forms M292V, M180V, M312V.
Identifiers: ClinVar variation 472627 (VCV000472627.9), dbSNP rs1555567076, ClinGen allele CA399086418.

ClinVar aggregate classification (germline): Conflicting classifications of pathogenicity. Review status: criteria provided, conflicting classifications (1 of 4 stars). 4 submissions from 4 submitters: Uncertain significance (3); Likely benign (1). Last evaluated 2025-10-20.

Conditions:
Hereditary cancer-predisposing syndrome. Also called: Neoplastic Syndromes, Hereditary; Tumor predisposition; Hereditary Cancer Syndrome; Hereditary neoplastic syndrome. Identifiers: Orphanet 140162, MedGen C0027672, MeSH D009386, MONDO:0015356.
Breast-ovarian cancer, familial, susceptibility to, 4. Identifiers: Orphanet 145, MedGen C3280345, MONDO:0013669, OMIM 614291.

Submissions (4):

Labcorp Genetics (formerly Invitae), Labcorp
Classification: Uncertain significance for Breast-ovarian cancer, familial, susceptibility to, 4. Last evaluated: 2025-10-20. Review status: criteria provided, single submitter. Criteria: Invitae Variant Classification Sherloc (09022015). Collection method: clinical testing. Allele origin: germline.
Comment: This sequence change replaces methionine, which is neutral and non-polar, with valine, which is neutral and non-polar, at codon 292 of the RAD51D protein (p.Met292Val). This variant is not present in population databases (gnomAD no frequency). This variant has not been reported in the literature in individuals affected with RAD51D-related conditions. ClinVar contains an entry for this variant (Variation ID: 472627). Invitae Evidence Modeling of protein sequence and biophysical properties (such as structural, functional, and spatial information, amino acid conservation, physicochemical variation, residue mobility, and thermodynamic stability) indicates that this missense variant is not expected to disrupt RAD51D protein function with a negative predictive value of 80%. In summary, the available evidence is currently insufficient to determine the role of this variant in disease. Therefore, it has been classified as a Variant of Uncertain Significance.

Quest Diagnostics Nichols Institute San Juan Capistrano
Classification: Uncertain significance. Last evaluated: 2025-07-31. Review status: criteria provided, single submitter. Criteria: Quest Diagnostics criteria. Collection method: clinical testing. Allele origin: unknown.
Comment: The RAD51D c.874A>G (p.Met292Val) variant has not been reported in individuals with RAD51D-related conditions in the published literature. This variant has not been reported in large, multi-ethnic general populations (Genome Aggregation Database). Analysis of this variant using bioinformatics tools for the prediction of the effect of amino acid changes on protein structure and function yielded predictions that this variant is benign. Based on the available information, we are unable to determine the clinical significance of this variant.

Ambry Genetics
Classification: Likely benign for Hereditary cancer-predisposing syndrome. Last evaluated: 2024-02-26. Review status: criteria provided, single submitter. Criteria: Ambry Variant Classification Scheme 2023. Collection method: clinical testing. Allele origin: germline.

Fulgent Genetics
Classification: Uncertain significance for Breast-ovarian cancer, familial, susceptibility to, 4. Last evaluated: 2018-10-31. Review status: criteria provided, single submitter. Criteria: ACMG Guidelines, 2015. Collection method: clinical testing. Allele origin: unknown.